The following is an entry in ClinVar:

ClinVar aggregate classification (germline): Pathogenic (1 of 4 stars; one submission).

Submission:

Quest Diagnostics Nichols Institute San Juan Capistrano
Classification: Pathogenic. Last evaluated: 2023-02-22. Review status: criteria provided, single submitter. Criteria: ACMG/ClinGen CNV Guidelines, 2019. Collection method: clinical testing. Allele origin: unknown.
Comment: This gain overlaps with the Xp11.22 duplication syndrome region (includes HUWE1 gene, OMIM 300705). Patients with Xp11.22 duplications can present with mild to moderate intellectual disability, speech delays, failure to thrive and the potential for facial dysmorphisms. Increased dosage of HUWE1 is reported to be responsible for the phenotype (Grams et al. Am J Med Genet A. 2016 Apr;170A(4):967-77. PMID: 26692240; Santos-Rebouas et al. J Hum Genet. 2015 Apr;60(4):207-11. PMID: 25652354; Froyen et al Am J Hum Genet. 2012 Aug 10; 91(2): 252-264. PMID: 22840365). Additionally, a single publication identified a de novo 127 Kb gain of SMC1A in an individual with atrioventricular septal defect (Xu et al., Int J Clin Exp Pathol. 2018 Jul 1;11(7):3732-3743. eCollection 2018. PMID: 31949757).

GRCh37/hg19 Xp11.22(chrX:53372729-53797237)x3

Genes: HSD17B10 (hydroxysteroid 17-beta dehydrogenase 10; minus strand), HUWE1 (HECT, UBA and WWE domain containing E3 ubiquitin protein ligase 1; minus strand), MIR98 (microRNA 98; minus strand), MIRLET7F2 (microRNA let-7f-2; minus strand), RIBC1 (RIB43A domain with coiled-coils 1; plus strand) and 1 more. Cytogenetic location: Xp11.22.
Variant type: copy number gain.
Change: copy number 3 of chrX:53,372,729-53,797,237 (424.5 kb, GRCh37 coordinates, 1-based), cytogenetic band Xp11.22.
Identifiers: ClinVar variation 2684984 (VCV002684984.1).